The following is an entry in ClinVar:

NM_020376.4(PNPLA2):c.74T>C (p.Val25Ala)

Genes: PNPLA2 (patatin like domain 2, triacylglycerol lipase; plus strand), LOC130005097 (ATAC-STARR-seq lymphoblastoid silent region 3036; plus strand). Cytogenetic location: 11p15.5.
Variant type: single nucleotide variant.
Coding change: c.74T>C on transcript NM_020376.4 (MANE Select); coding-DNA position 74, T replaced by C.
Protein change: p.Val25Ala; replaces valine 25 with alanine.
Molecular consequence: missense variant.
Genome position (GRCh38, 1-based): chr11:819,792, T>C. VCF-style: chr11-819792-T-C. GRCh37 (hg19) VCF-style: chr11-819792-T-C.
Other names: c.74T>C (NM_020376.3); short protein forms V25A.
Identifiers: ClinVar variation 1041370 (VCV001041370.8), dbSNP rs980457581, ClinGen allele CA216967222.
Genomic context (GRCh38, chr11:819,792, plus strand): 5'-AGAAGACGTGGAACATCTCGTTCGCGGGCTGCGGCTTCCTCGGCGTCTACTACGTCGGCG[T>C]GGCCTCCTGCCTCCGCGAGCACGCGCCCTTCCTGGTGGCCAACGCCACGCACATCTACGG-3'
Protein context (NP_065109.1, residues 15-35): CGFLGVYYVG[Val25Ala]ASCLREHAPF

ClinVar aggregate classification (germline): Uncertain significance. Review status: criteria provided, multiple submitters, no conflicts (2 of 4 stars). 2 submissions from 2 submitters: Uncertain significance (2). Last evaluated 2024-07-07.

Conditions:
Inborn genetic diseases. Identifiers: MedGen C0950123, MeSH D030342.
Neutral lipid storage myopathy (NLSDM). Also called: NEUTRAL LIPID STORAGE DISEASE WITHOUT ICHTHYOSIS. Identifiers: Orphanet 98908, MedGen C1853136, MONDO:0012545, OMIM 610717.

Allele frequency attached by ClinVar (database versions not stated): gnomAD exomes below 0.00001 and 0.00001; gnomAD 0.00002; TOPMed 0.00002.

Submissions (2):

Ambry Genetics
Classification: Uncertain significance for Inborn genetic diseases. Last evaluated: 2024-07-07. Review status: criteria provided, single submitter. Criteria: Ambry Variant Classification Scheme 2023. Collection method: clinical testing. Allele origin: germline.

Labcorp Genetics (formerly Invitae), Labcorp
Classification: Uncertain significance for Neutral lipid storage myopathy. Last evaluated: 2022-01-15. Review status: criteria provided, single submitter. Criteria: Invitae Variant Classification Sherloc (09022015). Collection method: clinical testing. Allele origin: germline.
Comment: Algorithms developed to predict the effect of missense changes on protein structure and function are either unavailable or do not agree on the potential impact of this missense change (SIFT: "Deleterious"; PolyPhen-2: "Benign"; Align-GVGD: "Class C55"). ClinVar contains an entry for this variant (Variation ID: 1041370). This variant has not been reported in the literature in individuals affected with PNPLA2-related conditions. The frequency data for this variant in the population databases is considered unreliable, as metrics indicate poor data quality at this position in the gnomAD database. This sequence change replaces valine, which is neutral and non-polar, with alanine, which is neutral and non-polar, at codon 25 of the PNPLA2 protein (p.Val25Ala). In summary, the available evidence is currently insufficient to determine the role of this variant in disease. Therefore, it has been classified as a Variant of Uncertain Significance.